The following is an entry in ClinVar:

NM_000368.5(TSC1):c.238del (p.Val80fs)

Gene: TSC1 (TSC complex subunit 1; minus strand). Cytogenetic location: 9q34.13.
Variant type: Deletion.
Coding change: c.238del on transcript NM_000368.5 (MANE Select); coding-DNA position 238, one base deleted (G; older notation c.238delG).
Protein change: p.Val80fs; shifts the reading frame from valine 80.
Molecular consequence: frameshift variant. On other transcripts: 5 prime UTR variant (18), non-coding transcript variant (5), intron variant (5).
Genome position (GRCh38, 1-based): chr9:132,925,712, C deleted on the plus strand (G on the coding strand, the reverse complement: TSC1 is on the minus strand). VCF-style (leftmost placement, unchanged base first): chr9-132925711-AC-A. GRCh37 (hg19) VCF-style: chr9-135801098-AC-A.
Other names: c.238del, p.Val80fs (NM_001162426.2, NM_001406592.1, NM_001406593.1 and 16 more transcripts); c.-126del (NM_001362177.2, NM_001406617.1, NM_001406618.1 and 5 more transcripts); c.-218del (NM_001406614.1, NM_001406616.1, NM_001406624.1); c.-251del (NM_001406615.1, NM_001406623.1); c.-640del (NM_001406626.1, NM_001406627.1, NM_001406628.1); c.-782del (NM_001406629.1); c.-856del (NM_001406630.1); c.210+1489del (NM_001406613.1, NM_001406612.1, NM_001406610.1 and 2 more transcripts); short protein forms V80fs.
Identifiers: ClinVar variation 2835559 (VCV002835559.3), dbSNP rs2539077688, ClinGen allele CA2739265172.

ClinVar aggregate classification (germline): Pathogenic (1 of 4 stars; one submission).

Conditions:
Tuberous sclerosis 1 (TSC1). Identifiers: Orphanet 805, MedGen C1854465, MONDO:0008612, OMIM 191100.

Submission:

Labcorp Genetics (formerly Invitae), Labcorp
Classification: Pathogenic for Tuberous sclerosis 1. Last evaluated: 2023-02-08. Review status: criteria provided, single submitter. Criteria: Invitae Variant Classification Sherloc (09022015). Collection method: clinical testing. Allele origin: germline.
Comment: This sequence change creates a premature translational stop signal (p.Val80Trpfs*18) in the TSC1 gene. It is expected to result in an absent or disrupted protein product. Loss-of-function variants in TSC1 are known to be pathogenic (PMID: 10227394, 17304050). This variant is not present in population databases (gnomAD no frequency). This variant has not been reported in the literature in individuals affected with TSC1-related conditions. For these reasons, this variant has been classified as Pathogenic.

Literature cited by the submitters: PubMed 10227394; PubMed 17304050.